The following is an entry in ClinVar:

ClinVar aggregate classification (germline): Uncertain significance (1 of 4 stars; one submission).

Conditions:
Hereditary cancer-predisposing syndrome. Also called: Neoplastic Syndromes, Hereditary; Tumor predisposition; Hereditary neoplastic syndrome; Hereditary Cancer Syndrome. Identifiers: Orphanet 140162, MedGen C0027672, MeSH D009386, MONDO:0015356.

Submission:

Ambry Genetics
Classification: Uncertain significance for Hereditary cancer-predisposing syndrome. Last evaluated: 2026-07-27. Review status: criteria provided, single submitter. Criteria: Ambry Variant Classification Scheme 2023. Collection method: clinical testing. Allele origin: germline.
Comment: The c.7618-195A>T intronic variant results from an A to T substitution 195 nucleotides upstream from coding exon 15 in the BRCA2 gene. This nucleotide position is well conserved in available vertebrate species. In silico splice site analysis predicts that this alteration will result in the creation or strengthening of a novel splice donor site; however, direct evidence is insufficient at this time (Ambry internal data). Based on the available evidence, the clinical significance of this variant remains unclear.

NM_000059.4(BRCA2):c.7618-195A>T

Gene: BRCA2 (BRCA2 DNA repair associated; plus strand). Cytogenetic location: 13q13.1.
Variant type: single nucleotide variant.
Coding change: c.7618-195A>T on transcript NM_000059.4 (MANE Select); 195 bases into the intron before coding-DNA position 7618, A replaced by T.
Molecular consequence: intron variant.
Genome position (GRCh38, 1-based): chr13:32,357,547, A>T. VCF-style: chr13-32357547-A-T. GRCh37 (hg19) VCF-style: chr13-32931684-A-T.
Other names: c.7618-195A>T (NM_001432077.1, NM_001406720.1); c.7522-195A>T (NM_001406719.1); c.2686-195A>T (NM_001406721.1); c.1201-195A>T (NM_001406722.1).
Identifiers: ClinVar variation 5033320 (VCV005033320.1).